The following is an entry in ClinVar:

ClinVar aggregate classification (germline): Uncertain significance (1 of 4 stars; one submission).

Conditions:
Familial thoracic aortic aneurysm and aortic dissection (TAAD). Also called: Thoracic aortic aneurysms and dissections. Identifiers: Orphanet 91387, MedGen C4707243, MONDO:0019625.

Submission:

Ambry Genetics
Classification: Uncertain significance for Familial thoracic aortic aneurysm and aortic dissection. Last evaluated: 2022-02-14. Review status: criteria provided, single submitter. Criteria: Ambry Variant Classification Scheme 2023. Collection method: clinical testing. Allele origin: germline.
Comment: The p.V294A variant (also known as c.881T>C), located in coding exon 7 of the SMAD3 gene, results from a T to C substitution at nucleotide position 881. The valine at codon 294 is replaced by alanine, an amino acid with similar properties. This amino acid position is conserved. In addition, this alteration is predicted to be deleterious by in silico analysis. Since supporting evidence is limited at this time, the clinical significance of this alteration remains unclear.

NM_005902.4(SMAD3):c.881T>C (p.Val294Ala)

Gene: SMAD3 (SMAD family member 3; plus strand). Cytogenetic location: 15q22.33.
Variant type: single nucleotide variant.
Coding change: c.881T>C on transcript NM_005902.4 (MANE Select); coding-DNA position 881, T replaced by C.
Protein change: p.Val294Ala; replaces valine 294 with alanine.
Molecular consequence: missense variant.
Genome position (GRCh38, 1-based): chr15:67,184,736, T>C. VCF-style: chr15-67184736-T-C. GRCh37 (hg19) VCF-style: chr15-67477074-T-C.
Other names: c.566T>C, p.Val189Ala (NM_001145102.2, NM_001407016.1); c.749T>C, p.Val250Ala (NM_001145103.2, NM_001407012.1); c.296T>C, p.Val99Ala (NM_001145104.2, NM_001407017.1); c.881T>C, p.Val294Ala (NM_001407011.1); c.734T>C, p.Val245Ala (NM_001407014.1); c.434T>C, p.Val145Ala (NM_001407015.1); short protein forms V145A, V250A, V294A, V189A, V99A, V245A.
Identifiers: ClinVar variation 1764779 (VCV001764779.2), dbSNP rs2505299813, ClinGen allele CA392956678.